The following is an entry in ClinVar:

ClinVar aggregate classification (germline): Likely benign (1 of 4 stars; one submission).

gnomAD v4.1: 221 of 1,612,398 alleles (0.014%); highest among the groups gnomAD compares: Non-Finnish European, 0.017%; no homozygotes.

Submission:

CeGaT Center for Human Genetics Tuebingen
Classification: Likely benign. Last evaluated: 2026-09-01. Review status: criteria provided, single submitter. Criteria: CeGaT Center For Human Genetics Tuebingen Variant Classification Criteria Version 2. Collection method: clinical testing. Allele origin: germline. Affected: yes. Observed: 1 variant allele.
Comment: PIGQ: BP4, BP7

NM_004204.5(PIGQ):c.*518C>T

Gene: PIGQ (phosphatidylinositol glycan anchor biosynthesis class Q; plus strand). Cytogenetic location: 16p13.3.
Variant type: single nucleotide variant.
Coding change: c.*518C>T on transcript NM_004204.5 (MANE Select); 518 bases downstream of the stop codon, C replaced by T.
Molecular consequence: 3 prime UTR variant. On other transcripts: synonymous variant (1).
Genome position (GRCh38, 1-based): chr16:583,553, C>T. VCF-style: chr16-583553-C-T. GRCh37 (hg19) VCF-style: chr16-633553-C-T.
Other names: c.2202C>T, p.Pro734= (NM_148920.4).
Identifiers: ClinVar variation 5041183 (VCV005041183.1).